The following is an entry in ClinVar:

ClinVar aggregate classification (germline): Likely benign. Review status: criteria provided, single submitter (1 of 4 stars). 2 submissions from 2 submitters: Likely benign (1). 1 of the submissions does not count toward it. Last evaluated 2025-09-21.

Conditions:
DCHS1-related disorder. Also called: DCHS1-related condition.

Allele frequency attached by ClinVar (database versions not stated): TOPMed 0.00006; ESP Exome Variant Server 0.00008.
gnomAD v4.1: 44 of 1,603,086 alleles (0.0027%); highest among the groups gnomAD compares: Middle Eastern, 0.033%; no homozygotes.

Submissions (2):

Labcorp Genetics (formerly Invitae), Labcorp
Classification: Likely benign. Last evaluated: 2025-09-21. Review status: criteria provided, single submitter. Criteria: Invitae Variant Classification Sherloc (09022015). Collection method: clinical testing. Allele origin: germline.

PreventionGenetics, part of Exact Sciences
Classification: Likely benign for DCHS1-related condition. Last evaluated: 2022-09-07. Review status: no assertion criteria provided. Collection method: clinical testing. Allele origin: germline. Not counted in ClinVar's aggregate classification.
Comment: This variant is classified as likely benign based on ACMG/AMP sequence variant interpretation guidelines (Richards et al. 2015 PMID: 25741868, with internal and published modifications).

NM_003737.4(DCHS1):c.6867G>A (p.Ala2289=)

Gene: DCHS1 (dachsous cadherin-related 1; minus strand). Cytogenetic location: 11p15.4.
Variant type: single nucleotide variant.
Coding change: c.6867G>A on transcript NM_003737.4 (MANE Select); coding-DNA position 6867, G replaced by A.
Protein change: p.Ala2289=; no amino-acid change (alanine 2289 retained).
Molecular consequence: synonymous variant.
Genome position (GRCh38, 1-based): chr11:6,625,477, C>T on the plus strand (G>A on the coding strand, the complement: DCHS1 is on the minus strand). VCF-style: chr11-6625477-C-T. GRCh37 (hg19) VCF-style: chr11-6646708-C-T.
Other names: c.6867G>A (NM_003737.3).
Identifiers: ClinVar variation 2171544 (VCV002171544.6), dbSNP rs144165467, ClinGen allele CA5859738.